The following is an entry in ClinVar:

ClinVar aggregate classification (germline): Pathogenic/Likely pathogenic. Review status: criteria provided, multiple submitters, no conflicts (2 of 4 stars). 3 submissions from 3 submitters: Pathogenic (1); Likely pathogenic (2). Last evaluated 2023-05-11.

Conditions:
Congenital lactic acidosis, Saguenay-Lac-Saint-Jean type (MC4DN5). Also called: CYTOCHROME c OXIDASE DEFICIENCY, FRENCH CANADIAN TYPE; COX DEFICIENCY, FRENCH CANADIAN TYPE; MITOCHONDRIAL COMPLEX IV DEFICIENCY, NUCLEAR TYPE 5. Identifiers: Orphanet 70472, MedGen C1857355, MONDO:0009069, OMIM 220111.

Submissions (3):

Labcorp Genetics (formerly Invitae), Labcorp
Classification: Pathogenic. Last evaluated: 2023-05-11. Review status: criteria provided, single submitter. Criteria: Invitae Variant Classification Sherloc (09022015). Collection method: clinical testing. Allele origin: germline.
Comment: ClinVar contains an entry for this variant (Variation ID: 1705057). This sequence change creates a premature translational stop signal (p.Gln658*) in the LRPPRC gene. It is expected to result in an absent or disrupted protein product. Loss-of-function variants in LRPPRC are known to be pathogenic (PMID: 26510951). This variant is not present in population databases (gnomAD no frequency). This variant has not been reported in the literature in individuals affected with LRPPRC-related conditions. For these reasons, this variant has been classified as Pathogenic.

Baylor Genetics
Classification: Likely pathogenic for Congenital lactic acidosis, Saguenay-Lac-Saint-Jean type. Last evaluated: 2023-02-19. Review status: criteria provided, single submitter. Criteria: ACMG Guidelines, 2015. Collection method: clinical testing. Allele origin: unknown.

Women's Health and Genetics/Laboratory Corporation of America, LabCorp
Classification: Likely pathogenic for Congenital lactic acidosis, Saguenay-Lac-Saint-Jean type. Last evaluated: 2022-08-08. Review status: criteria provided, single submitter. Criteria: LabCorp Variant Classification Summary - May 2015. Collection method: clinical testing. Allele origin: germline.
Comment: Variant summary: LRPPRC c.1972C>T (p.Gln658X) results in a premature termination codon, predicted to cause a truncation of the encoded protein or absence of the protein due to nonsense mediated decay, which are commonly known mechanisms for disease. Truncations downstream of this position have been classified as pathogenic by our laboratory. The variant was absent in 247908 control chromosomes. To our knowledge, no occurrence of c.1972C>T in individuals affected with Leigh Syndrome, French-Canadian Type and no experimental evidence demonstrating its impact on protein function have been reported. No clinical diagnostic laboratories have submitted clinical-significance assessments for this variant to ClinVar after 2014. Based on the evidence outlined above, the variant was classified as likely pathogenic.

Literature cited by the submitters: PubMed 26510951 (cited by Labcorp Genetics (formerly Invitae), Labcorp).

NM_133259.4(LRPPRC):c.1972C>T (p.Gln658Ter)

Gene: LRPPRC (leucine rich pentatricopeptide repeat containing; minus strand). Cytogenetic location: 2p21.
Variant type: single nucleotide variant.
Coding change: c.1972C>T on transcript NM_133259.4 (MANE Select); coding-DNA position 1972, C replaced by T.
Protein change: p.Gln658Ter; replaces glutamine 658 with a stop codon.
Molecular consequence: nonsense.
Genome position (GRCh38, 1-based): chr2:43,947,364, G>A on the plus strand (C>T on the coding strand, the complement: LRPPRC is on the minus strand). VCF-style: chr2-43947364-G-A. GRCh37 (hg19) VCF-style: chr2-44174503-G-A.
Other names: short protein forms Q658*.
Identifiers: ClinVar variation 1705057 (VCV001705057.5), dbSNP rs2466569915, ClinGen allele CA346675149.